The following is an entry in ClinVar:

NM_006361.6(HOXB13):c.733A>G (p.Lys245Glu)

Gene: HOXB13 (homeobox B13; minus strand). Cytogenetic location: 17q21.32.
Variant type: single nucleotide variant.
Coding change: c.733A>G on transcript NM_006361.6 (MANE Select); coding-DNA position 733, A replaced by G.
Protein change: p.Lys245Glu; replaces lysine 245 with glutamic acid.
Molecular consequence: missense variant.
Genome position (GRCh38, 1-based): chr17:48,726,912, T>C on the plus strand (A>G on the coding strand, the complement: HOXB13 is on the minus strand). VCF-style: chr17-48726912-T-C. GRCh37 (hg19) VCF-style: chr17-46804274-T-C.
Other names: short protein forms K245E.
Identifiers: ClinVar variation 2809671 (VCV002809671.3), dbSNP rs1272588905, ClinGen allele CA400106206.

ClinVar aggregate classification (germline): Uncertain significance (1 of 4 stars; one submission).

Submission:

Labcorp Genetics (formerly Invitae), Labcorp
Classification: Uncertain significance. Last evaluated: 2025-07-17. Review status: criteria provided, single submitter. Criteria: Invitae Variant Classification Sherloc (09022015). Collection method: clinical testing. Allele origin: germline.
Comment: This sequence change replaces lysine, which is basic and polar, with glutamic acid, which is acidic and polar, at codon 245 of the HOXB13 protein (p.Lys245Glu). This variant is not present in population databases (gnomAD no frequency). This variant has not been reported in the literature in individuals affected with HOXB13-related conditions. ClinVar contains an entry for this variant (Variation ID: 2809671). Invitae Evidence Modeling of protein sequence and biophysical properties (such as structural, functional, and spatial information, amino acid conservation, physicochemical variation, residue mobility, and thermodynamic stability) indicates that this missense variant is not expected to disrupt HOXB13 protein function with a negative predictive value of 80%. In summary, the available evidence is currently insufficient to determine the role of this variant in disease. Therefore, it has been classified as a Variant of Uncertain Significance.